The following is an entry in ClinVar:

ClinVar aggregate classification (germline): Uncertain significance (1 of 4 stars; one submission).

Conditions:
Inborn genetic diseases. Identifiers: MedGen C0950123, MeSH D030342.

Submission:

Ambry Genetics
Classification: Uncertain significance for Inborn genetic diseases. Last evaluated: 2022-10-17. Review status: criteria provided, single submitter. Criteria: Ambry Variant Classification Scheme 2023. Collection method: clinical testing. Allele origin: germline.
Comment: The p.G24R variant (also known as c.70G>A), located in coding exon 1 of the SMAD2 gene, results from a G to A substitution at nucleotide position 70. The glycine at codon 24 is replaced by arginine, an amino acid with dissimilar properties. This amino acid position is conserved. In addition, the in silico prediction for this alteration is inconclusive. Since supporting evidence is limited at this time, the clinical significance of this alteration remains unclear.

NM_005901.6(SMAD2):c.70G>A (p.Gly24Arg)

Gene: SMAD2 (SMAD family member 2; minus strand). Cytogenetic location: 18q21.1.
Variant type: single nucleotide variant.
Coding change: c.70G>A on transcript NM_005901.6 (MANE Select); coding-DNA position 70, G replaced by A.
Protein change: p.Gly24Arg; replaces glycine 24 with arginine.
Molecular consequence: missense variant.
Genome position (GRCh38, 1-based): chr18:47,896,687, C>T on the plus strand (G>A on the coding strand, the complement: SMAD2 is on the minus strand). VCF-style: chr18-47896687-C-T. GRCh37 (hg19) VCF-style: chr18-45423058-C-T.
Other names: c.70G>A, p.Gly24Arg (NM_001003652.4, NM_001135937.3); short protein forms G24R.
Identifiers: ClinVar variation 1757173 (VCV001757173.2), dbSNP rs747301606, ClinGen allele CA402503418.